The following is an entry in ClinVar:

NM_017649.5(CNNM2):c.2071C>G (p.Gln691Glu)

Gene: CNNM2 (cyclin and CBS domain divalent metal cation transport mediator 2; plus strand). Cytogenetic location: 10q24.32.
Variant type: single nucleotide variant.
Coding change: c.2071C>G on transcript NM_017649.5 (MANE Select); coding-DNA position 2071, C replaced by G.
Protein change: p.Gln691Glu; replaces glutamine 691 with glutamic acid.
Molecular consequence: missense variant.
Genome position (GRCh38, 1-based): chr10:103,056,962, C>G. VCF-style: chr10-103056962-C-G. GRCh37 (hg19) VCF-style: chr10-104816719-C-G.
Other names: c.2071C>G, p.Gln691Glu (NM_199076.3); short protein forms Q691E.
Identifiers: ClinVar variation 3767689 (VCV003767689.1).
Genomic context (GRCh38, chr10:103,056,962, plus strand): 5'-GCCCCCGAATACTACCTCTACCAGCGCAACAAGCCAGTAGACTACTTCGTTCTCATTCTG[C>G]AGGTCAGAAGAATTATTCAATAGTGGTTTGCTCTCACTGAGTATCCATCTTTCAGTTTGG-3'
Protein context (NP_060119.3, residues 681-701): KPVDYFVLIL[Gln691Glu]GKVEVEAGKE

ClinVar aggregate classification (germline): Uncertain significance (1 of 4 stars; one submission).

gnomAD v4.1: 10 of 1,608,948 alleles (0.00062%); highest among the groups gnomAD compares: Non-Finnish European, 0.00085%; no homozygotes.

Submission:

GeneDx
Classification: Uncertain significance. Last evaluated: 2024-09-03. Review status: criteria provided, single submitter. Criteria: GeneDx Variant Classification Process June 2021. Collection method: clinical testing. Allele origin: germline. Affected: yes.
Comment: Not observed at significant frequency in large population cohorts (gnomAD); In silico analysis indicates that this missense variant does not alter protein structure/function; Has not been previously published as pathogenic or benign to our knowledge